The following is an entry in ClinVar:

NM_001378454.1(ALMS1):c.956A>G (p.Asn319Ser)

Gene: ALMS1 (ALMS1 centrosome and basal body associated protein; plus strand). Cytogenetic location: 2p13.1.
Variant type: single nucleotide variant.
Coding change: c.956A>G on transcript NM_001378454.1 (MANE Select); coding-DNA position 956, A replaced by G.
Protein change: p.Asn319Ser; replaces asparagine 319 with serine.
Molecular consequence: missense variant.
Genome position (GRCh38, 1-based): chr2:73,424,621, A>G. VCF-style: chr2-73424621-A-G. GRCh37 (hg19) VCF-style: chr2-73651749-A-G.
Other names: c.959A>G, p.Asn320Ser (NM_015120.4); short protein forms N320S, N319S.
Identifiers: ClinVar variation 2004708 (VCV002004708.1), dbSNP rs1362251048, ClinGen allele CA347261023.

ClinVar aggregate classification (germline): Uncertain significance (1 of 4 stars; one submission).

Conditions:
Alstrom syndrome (ALMS). Identifiers: Orphanet 64, MedGen C0268425, MONDO:0008763, OMIM 203800.

Allele frequency attached by ClinVar (database versions not stated): gnomAD 0.00001; TOPMed 0.00001.
gnomAD v4.1: 1 of 1,613,942 alleles (0.000062%); highest among the groups gnomAD compares: East Asian, 0.0022%; no homozygotes.

Submission:

Labcorp Genetics (formerly Invitae), Labcorp
Classification: Uncertain significance for Alstrom syndrome. Last evaluated: 2022-07-29. Review status: criteria provided, single submitter. Criteria: Invitae Variant Classification Sherloc (09022015). Collection method: clinical testing. Allele origin: germline.
Comment: This sequence change replaces asparagine, which is neutral and polar, with serine, which is neutral and polar, at codon 320 of the ALMS1 protein (p.Asn320Ser). This variant is not present in population databases (gnomAD no frequency). This variant has not been reported in the literature in individuals affected with ALMS1-related conditions. Experimental studies and prediction algorithms are not available or were not evaluated, and the functional significance of this variant is currently unknown. In summary, the available evidence is currently insufficient to determine the role of this variant in disease. Therefore, it has been classified as a Variant of Uncertain Significance.